The following is an entry in ClinVar:

ClinVar aggregate classification (germline): Uncertain significance (1 of 4 stars; one submission).

Conditions:
Hereditary cancer-predisposing syndrome. Also called: Neoplastic Syndromes, Hereditary; Tumor predisposition; Hereditary Cancer Syndrome; Hereditary neoplastic syndrome. Identifiers: Orphanet 140162, MedGen C0027672, MeSH D009386, MONDO:0015356.

gnomAD v4.1: 3 of 1,613,814 alleles (0.00019%); highest among the groups gnomAD compares: Admixed American, 0.0033%; no homozygotes.

Submission:

Ambry Genetics
Classification: Uncertain significance for Hereditary cancer-predisposing syndrome. Last evaluated: 2025-08-08. Review status: criteria provided, single submitter. Criteria: Ambry Variant Classification Scheme 2023. Collection method: clinical testing. Allele origin: germline.
Comment: The p.T94R variant (also known as c.281C>G), located in coding exon 3 of the XRCC2 gene, results from a C to G substitution at nucleotide position 281. The threonine at codon 94 is replaced by arginine, an amino acid with similar properties. This amino acid position is conserved. In addition, the in silico prediction for this alteration is inconclusive. Based on the available evidence, the clinical significance of this variant remains unclear.

NM_005431.2(XRCC2):c.281C>G (p.Thr94Arg)

Gene: XRCC2 (X-ray repair cross complementing 2; minus strand). Cytogenetic location: 7q36.1.
Variant type: single nucleotide variant.
Coding change: c.281C>G on transcript NM_005431.2 (MANE Select); coding-DNA position 281, C replaced by G.
Protein change: p.Thr94Arg; replaces threonine 94 with arginine.
Molecular consequence: missense variant.
Genome position (GRCh38, 1-based): chr7:152,649,204, G>C on the plus strand (C>G on the coding strand, the complement: XRCC2 is on the minus strand). VCF-style: chr7-152649204-G-C. GRCh37 (hg19) VCF-style: chr7-152346289-G-C.
Other names: short protein forms T94R.
Identifiers: ClinVar variation 4202850 (VCV004202850.1).
Genomic context (GRCh38, chr7:152,649,204, plus strand): 5'-CTTCCCAGGCAGTATTTGATTATTTCTTCAGAGCTTTGGGATAGTCTGTGCTCAAGAATT[G>C]TAACTAGCCGGAGCATATCAAAGTGGTAATCTGTATCAATAAATAAGACTTCTACTTCCA-3'
Protein context (NP_005422.1, residues 84-104): DYHFDMLRLV[Thr94Arg]ILEHRLSQSS